The following is an entry in ClinVar:

ClinVar aggregate classification (germline): Pathogenic (1 of 4 stars; one submission).

Conditions:
SLC35A2-congenital disorder of glycosylation. Also called: DEVELOPMENTAL AND EPILEPTIC ENCEPHALOPATHY 22; CONGENITAL DISORDER OF GLYCOSYLATION, TYPE IIm; CDG IIm; CONGENITAL DISORDER OF GLYCOSYLATION, TYPE IIm, SOMATIC MOSAIC; EPILEPTIC ENCEPHALOPATHY, EARLY INFANTILE, 22; SLC35A2-CDG. Identifiers: Orphanet 356961, MedGen C3806688, MONDO:0010478, OMIM 300896.

Submission:

Labcorp Genetics (formerly Invitae), Labcorp
Classification: Pathogenic for SLC35A2-congenital disorder of glycosylation. Last evaluated: 2024-10-05. Review status: criteria provided, single submitter. Criteria: Invitae Variant Classification Sherloc (09022015). Collection method: clinical testing. Allele origin: germline.
Comment: This sequence change falls in intron 1 of the SLC35A2 gene. It does not directly change the encoded amino acid sequence of the SLC35A2 protein. This variant is not present in population databases (gnomAD no frequency). This variant has been observed in individual(s) with SLC35A2-related conditions (internal data). In at least one individual the variant was observed to be de novo. Algorithms developed to predict the effect of sequence changes on RNA splicing suggest that this variant may disrupt the consensus splice site. For these reasons, this variant has been classified as Pathogenic.

NM_005660.3(SLC35A2):c.92-12C>A

Gene: SLC35A2 (solute carrier family 35 member A2; minus strand). Cytogenetic location: Xp11.23.
Variant type: single nucleotide variant.
Coding change: c.92-12C>A on transcript NM_005660.3 (MANE Select); 12 bases into the intron before coding-DNA position 92, C replaced by A.
Molecular consequence: intron variant.
Genome position (GRCh38, 1-based): chrX:48,910,008, G>T on the plus strand (C>A on the coding strand, the complement: SLC35A2 is on the minus strand). VCF-style: chrX-48910008-G-T. GRCh37 (hg19) VCF-style: chrX-48767285-G-T.
Other names: c.91+1538C>A (NM_001282649.2); c.92-12C>A (NM_001282647.2, NM_001042498.3, NM_001032289.3); c.176-12C>A (NM_001282651.2); c.131-12C>A (NM_001282650.2); c.20-12C>A (NM_001282648.2).
Identifiers: ClinVar variation 2850025 (VCV002850025.3), dbSNP rs1557043682, ClinGen allele CA2579602805.